The following is an entry in ClinVar:

ClinVar aggregate classification (germline): Uncertain significance (1 of 4 stars; one submission).

Submission:

Women's Health and Genetics/Laboratory Corporation of America, LabCorp
Classification: Uncertain significance. Last evaluated: 2022-06-28. Review status: criteria provided, single submitter. Criteria: LabCorp Variant Classification Summary - May 2015. Collection method: clinical testing. Allele origin: germline.
Comment: Variant summary: The variant identified by MLPA or other technology involves the duplication of exons 1-7 in the CHAT gene. A presumed nomenclature of c.(?_-154)_(1111+1_1112-1)dup has been designated for the purposes of this classification. It has been assumed that this is a tandem duplication in direct orientation (Richardson_GIM_2018, Newman_AJHG_2015). Since the exact breakpoints of this duplication are not known, it is not possible to predict if it causes an in-frame or an out-of-frame product. The variant was absent in 21692 control chromosomes. The available data on variant occurrences in the general population are insufficient to allow any conclusion about variant significance. To our knowledge, no occurrence of c.(?_-154)_(1111+1_1112-1)dup in individuals affected with Congenital Myasthenic Syndrome and no experimental evidence demonstrating its impact on protein function have been reported. No clinical diagnostic laboratories have submitted clinical-significance assessments for this variant to ClinVar after 2014. Based on the evidence outlined above, the variant was classified as uncertain significance.

NC_000010.10:g.(?_50822082)_(50835832_50854550)dup

Gene: CHAT (choline O-acetyltransferase; plus strand). Cytogenetic location: 10q11.23.
Variant type: Duplication.
Identifiers: ClinVar variation 1698649 (VCV001698649.1).